The following is an entry in ClinVar:

NM_001127222.2(CACNA1A):c.3693-3C>T

Gene: CACNA1A (calcium voltage-gated channel subunit alpha1 A; minus strand). Cytogenetic location: 19p13.13.
Variant type: single nucleotide variant.
Coding change: c.3693-3C>T on transcript NM_001127222.2 (MANE Select); 3 bases into the intron before coding-DNA position 3693, C replaced by T.
Molecular consequence: intron variant.
Genome position (GRCh38, 1-based): chr19:13,283,399, G>A on the plus strand (C>T on the coding strand, the complement: CACNA1A is on the minus strand). VCF-style: chr19-13283399-G-A. GRCh37 (hg19) VCF-style: chr19-13394213-G-A.
Other names: c.3696-3C>T (NM_001127221.2, NM_001174080.2); c.3705-3C>T (NM_000068.4, NM_023035.3).
Identifiers: ClinVar variation 2944181 (VCV002944181.3), dbSNP rs2512841048, ClinGen allele CA2740091882.

ClinVar aggregate classification (germline): Uncertain significance (1 of 4 stars; one submission).

Conditions:
Episodic ataxia type 2 (EA2). Also called: CEREBELLAR ATAXIA, PAROXYSMAL, ACETAZOLAMIDE-RESPONSIVE; CEREBELLOPATHY, HEREDITARY PAROXYSMAL; EPISODIC ATAXIA, NYSTAGMUS-ASSOCIATED; ACETAZOLAMIDE-RESPONSIVE HEREDITARY PAROXYSMAL CEREBELLAR ATAXIA; ATAXIA, EPISODIC, WITH NYSTAGMUS; ATAXIA, FAMILIAL PAROXYSMAL. Identifiers: Orphanet 97, MedGen C1720416, MONDO:0007163, OMIM 108500.
Developmental and epileptic encephalopathy, 42 (DEE42A). Also called: Epileptic encephalopathy, early infantile, 42; DEVELOPMENTAL AND EPILEPTIC ENCEPHALOPATHY 42A; EPILEPTIC ENCEPHALOPATHY, EARLY INFANTILE, 42A. Identifiers: MedGen C4310716, MONDO:0014917, OMIM 617106.

Submission:

Labcorp Genetics (formerly Invitae), Labcorp
Classification: Uncertain significance for Developmental and epileptic encephalopathy, 42; Episodic ataxia type 2. Last evaluated: 2024-01-22. Review status: criteria provided, single submitter. Criteria: Invitae Variant Classification Sherloc (09022015). Collection method: clinical testing. Allele origin: germline.
Comment: This sequence change falls in intron 21 of the CACNA1A gene. It does not directly change the encoded amino acid sequence of the CACNA1A protein. It affects a nucleotide within the consensus splice site. This variant is not present in population databases (gnomAD no frequency). This variant has not been reported in the literature in individuals affected with CACNA1A-related conditions. Variants that disrupt the consensus splice site are a relatively common cause of aberrant splicing (PMID: 17576681, 9536098). Algorithms developed to predict the effect of sequence changes on RNA splicing suggest that this variant is not likely to affect RNA splicing. In summary, the available evidence is currently insufficient to determine the role of this variant in disease. Therefore, it has been classified as a Variant of Uncertain Significance.

Literature cited by the submitters: PubMed 17576681; PubMed 9536098.